The following is an entry in ClinVar:

NM_000256.3(MYBPC3):c.868A>C (p.Thr290Pro)

Gene: MYBPC3 (myosin binding protein C3; minus strand). Cytogenetic location: 11p11.2.
Variant type: single nucleotide variant.
Coding change: c.868A>C on transcript NM_000256.3 (MANE Select); coding-DNA position 868, A replaced by C.
Protein change: p.Thr290Pro; replaces threonine 290 with proline.
Molecular consequence: missense variant.
Genome position (GRCh38, 1-based): chr11:47,347,463, T>G on the plus strand (A>C on the coding strand, the complement: MYBPC3 is on the minus strand). VCF-style: chr11-47347463-T-G. GRCh37 (hg19) VCF-style: chr11-47369014-T-G.
Other names: short protein forms T290P.
Identifiers: ClinVar variation 4757667 (VCV004757667.1).
Genomic context (GRCh38, chr11:47,347,463, plus strand): 5'-AGGAACTGCCACCCAGGACTCACCTCTTTTTCAGCAGTGAGCTGAAGTCCAGAATCCCAG[T>G]GTCCTCATGGCTATCACTATGGAGAGGGACCCCCAGTGAGGCTGCAGTGAGGGACTGGAA-3'
Protein context (NP_000247.2, residues 280-300): GRRISDSHED[Thr290Pro]GILDFSSLLK

ClinVar aggregate classification (germline): Uncertain significance (1 of 4 stars; one submission).

Conditions:
Cardiomyopathy (CMYO). Also called: Cardiomyopathies. Identifiers: Orphanet 167848, MedGen C0878544, MONDO:0004994, HP:0001638. Inheritance: Various modes of inheritance.

gnomAD v4.1: 1 of 1,596,592 alleles (0.000063%); highest among the groups gnomAD compares: Non-Finnish European, 0.000085%; no homozygotes.

Submission:

Color Diagnostics, LLC DBA Color Health
Classification: Uncertain significance for Cardiomyopathy. Last evaluated: 2025-07-17. Review status: criteria provided, single submitter. Criteria: ACMG Guidelines, 2015. Collection method: clinical testing. Allele origin: germline.
Comment: This missense variant replaces threonine with proline at codon 290 of the MYBPC3 protein. Computational prediction suggests that this variant may not impact protein structure and function. To our knowledge, functional studies have not been reported for this variant. This variant has not been reported in individuals affected with MYBPC3-related disorders in the literature. This variant has not been identified in the general population by the Genome Aggregation Database (gnomAD). The available evidence is insufficient to determine the role of this variant in disease conclusively. Therefore, this variant is classified as a Variant of Uncertain Significance.